The following is an entry in ClinVar:

ClinVar aggregate classification (germline): Uncertain significance. Review status: criteria provided, multiple submitters, no conflicts (2 of 4 stars). 2 submissions from 2 submitters: Uncertain significance (2). Last evaluated 2026-01-02.

Conditions:
Hereditary cancer-predisposing syndrome. Also called: Hereditary Cancer Syndrome; Hereditary neoplastic syndrome; Neoplastic Syndromes, Hereditary; Tumor predisposition. Identifiers: Orphanet 140162, MedGen C0027672, MeSH D009386, MONDO:0015356.

Submissions (2):

Labcorp Genetics (formerly Invitae), Labcorp
Classification: Uncertain significance. Last evaluated: 2026-01-02. Review status: criteria provided, single submitter. Criteria: Invitae Variant Classification Sherloc (09022015). Collection method: clinical testing. Allele origin: germline.
Comment: This variant, c.528_530del, results in the deletion of 1 amino acid(s) of the POLE protein (p.Lys176del), but otherwise preserves the integrity of the reading frame. This variant is present in population databases (no rsID available, gnomAD 0.006%). This variant has not been reported in the literature in individuals affected with POLE-related conditions. ClinVar contains an entry for this variant (Variation ID: 405646). Experimental studies and prediction algorithms are not available or were not evaluated, and the functional significance of this variant is currently unknown. In summary, the available evidence is currently insufficient to determine the role of this variant in disease. Therefore, it has been classified as a Variant of Uncertain Significance.

Ambry Genetics
Classification: Uncertain significance for Hereditary cancer-predisposing syndrome. Last evaluated: 2025-01-22. Review status: criteria provided, single submitter. Criteria: Ambry Variant Classification Scheme 2023. Collection method: clinical testing. Allele origin: germline.
Comment: The c.528_530delGAA variant (also known as p.K176del) is located in coding exon 6 of the POLE gene. This variant results from an in-frame GAA deletion at nucleotide positions 528 to 530. This results in the in-frame deletion of a lysine at codon 176. This amino acid position is highly conserved in available vertebrate species. In addition, this alteration is predicted to be deleterious by in silico analysis (Choi Y et al. PLoS ONE. 2012; 7(10):e46688). Based on the available evidence, the clinical significance of this variant remains unclear.

NM_006231.4(POLE):c.522GAA[2] (p.Lys176del)

Gene: POLE (DNA polymerase epsilon, catalytic subunit; minus strand). Cytogenetic location: 12q24.33.
Variant type: Microsatellite.
Coding change: c.522GAA[2] on transcript NM_006231.4 (MANE Select); two copies in a row of the 3-base unit GAA starting at c.522; the reference has three copies in a row; one copy, 3 bases deleted.
Protein change: p.Lys176del; deletes lysine 176.
Molecular consequence: inframe deletion.
Genome position (GRCh38, 1-based): chr12:132,679,545-132,679,547, TTC deleted on the plus strand (GAA on the coding strand, the reverse complement: POLE is on the minus strand); deleting any 3 consecutive bases within chr12:132,679,545-132,679,553 gives the same sequence; the position shown is the placement nearest the transcript's 3' end. VCF-style (leftmost placement, unchanged base first): chr12-132679544-GTTC-G. GRCh37 (hg19) VCF-style: chr12-133256130-GTTC-G.
Other names: c.528_530delGAA (NM_006231.3); short protein forms K176del.
Identifiers: ClinVar variation 405646 (VCV000405646.14), dbSNP rs1060500793, ClinGen allele CA16613921.